The following is an entry in ClinVar:

ClinVar aggregate classification (germline): Pathogenic (1 of 4 stars; one submission).

Conditions:
Fabry disease. Also called: ALPHA-GALACTOSIDASE A DEFICIENCY; ANDERSON-FABRY DISEASE; CERAMIDE TRIHEXOSIDASE DEFICIENCY; GLA DEFICIENCY; HEREDITARY DYSTOPIC LIPIDOSIS; Angiokeratoma corporis diffusum. Identifiers: Orphanet 324, MedGen C0002986, MONDO:0010526, OMIM 301500, HP:0001071. Disease mechanism: Fabry disease is due to inactivating mutations in the X-linked GLA gene resulting in deficiency of the enzyme Alpha Galactosidase-A., loss of function.

Submission:

Genomenon, Inc
Classification: Pathogenic for Fabry disease. Last evaluated: 2026-09-08. Review status: criteria provided, single submitter. Criteria: Genomenon Sequence Variant Interpretation Standards - Updated. Collection method: curation. Allele origin: germline. Affected: yes.
Comment: GLA p.Trp262Ter (c.786del) is a nonsense variant that introduces a premature stop codon at amino acid position 262 and is predicted to result in a truncated or absent protein product. This variant has been observed in at least one proband with clinical features consistent with Fabry disease (PMID:36140787). The variant was found to segregate with disease in at least one affected family (PMID:36140787). Functional or patient cell studies have been reported (PMID:30677769;36140787). It is absent or not present at a significant frequency in gnomAD. In conclusion, we classify GLA p.Trp262Ter (c.786del) as a pathogenic variant.

Literature cited by the submitters: PubMed 36140787; PubMed 30677769.

NM_000169.3(GLA):c.786del (p.Gly261_Trp262insTer)

Genes: GLA (galactosidase alpha; minus strand), RPL36A-HNRNPH2 (RPL36A-HNRNPH2 readthrough; plus strand). Cytogenetic location: Xq22.1.
Variant type: Deletion.
Coding change: c.786del on transcript NM_000169.3 (MANE Select); coding-DNA position 786, one base deleted (G; older notation c.786delG).
Protein change: p.Gly261_Trp262insTer.
Molecular consequence: nonsense. On other transcripts: non-coding transcript variant (3), intron variant (2).
Genome position (GRCh38, 1-based): chrX:101,398,800, C deleted on the plus strand (G on the coding strand, the reverse complement: GLA is on the minus strand); the first of 2 consecutive C bases (chrX:101,398,800-101,398,801); deleting either gives the same sequence. VCF-style (leftmost placement, unchanged base first): chrX-101398799-TC-T. GRCh37 (hg19) VCF-style: chrX-100653787-TC-T.
Other names: c.909del, p.Gly302_Trp303insTer (NM_001406747.1); c.786del, p.Gly261_Trp262insTer (NM_001406748.1); c.300+3344del (NM_001199973.2); c.177+6979del (NM_001199974.2).
Identifiers: ClinVar variation 4087180 (VCV004087180.2).